The following is an entry in ClinVar:

NM_000044.6(AR):c.2225G>A (p.Trp742Ter)

Gene: AR (androgen receptor; plus strand). Cytogenetic location: Xq12.
Variant type: single nucleotide variant.
Coding change: c.2225G>A on transcript NM_000044.6 (MANE Select); coding-DNA position 2225, G replaced by A.
Protein change: p.Trp742Ter; replaces tryptophan 742 with a stop codon.
Molecular consequence: nonsense.
Genome position (GRCh38, 1-based): chrX:67,717,529, G>A. VCF-style: chrX-67717529-G-A. GRCh37 (hg19) VCF-style: chrX-66937371-G-A.
Other names: c.629G>A, p.Trp210Ter (NM_001011645.3); c.2228G>A, p.Trp743Ter (NM_001424175.1); short protein forms W210*, W742*, W743*.
Identifiers: ClinVar variation 2941909 (VCV002941909.3), dbSNP rs2076118553, ClinGen allele CA413424521.

ClinVar aggregate classification (germline): Pathogenic (1 of 4 stars; one submission).

Conditions:
Kennedy disease (SMAX1). Also called: SPINAL AND BULBAR MUSCULAR ATROPHY, X-LINKED 1; KENNEDY SPINAL AND BULBAR MUSCULAR ATROPHY; Spinal and Bulbar Muscular Atrophy. Identifiers: Orphanet 481, MedGen C1839259, MONDO:0010735, OMIM 313200.
Androgen resistance syndrome (AIS). Also called: DHTR DEFICIENCY; DIHYDROTESTOSTERONE RECEPTOR DEFICIENCY; ANDROGEN RECEPTOR DEFICIENCY; TESTICULAR FEMINIZATION SYNDROME; Androgen insensitivity syndrome; Androgen insensitivity. Identifiers: Orphanet 754, Orphanet 99429, MedGen C0039585, MONDO:0019154, OMIM 300068. Disease mechanism: loss of function.

Submission:

Labcorp Genetics (formerly Invitae), Labcorp
Classification: Pathogenic for Kennedy disease; Androgen resistance syndrome. Last evaluated: 2022-11-29. Review status: criteria provided, single submitter. Criteria: Invitae Variant Classification Sherloc (09022015). Collection method: clinical testing. Allele origin: germline.
Comment: For these reasons, this variant has been classified as Pathogenic. This premature translational stop signal has been observed in individual(s) with androgen insensitivity syndrome (PMID: 34333495). This variant is not present in population databases (gnomAD no frequency). This sequence change creates a premature translational stop signal (p.Trp742*) in the AR gene. It is expected to result in an absent or disrupted protein product. Loss-of-function variants in AR are known to be pathogenic (PMID: 19463997).

Literature cited by the submitters: PubMed 34333495; PubMed 19463997.